The following is an entry in ClinVar:

NM_000133.4(F9):c.1249A>G (p.Thr417Ala)

Gene: F9 (coagulation factor IX; plus strand). Cytogenetic location: Xq27.1.
Variant type: single nucleotide variant.
Coding change: c.1249A>G on transcript NM_000133.4 (MANE Select); coding-DNA position 1249, A replaced by G.
Protein change: p.Thr417Ala; replaces threonine 417 with alanine.
Molecular consequence: missense variant.
Genome position (GRCh38, 1-based): chrX:139,561,934, A>G. VCF-style: chrX-139561934-A-G. GRCh37 (hg19) VCF-style: chrX-138644093-A-G.
Other names: c.1135A>G, p.Thr379Ala (NM_001313913.2); short protein forms T379A, T417A.
Identifiers: ClinVar variation 3758077 (VCV003758077.2).

ClinVar aggregate classification (germline): Uncertain significance (1 of 4 stars; one submission).

Conditions:
Thrombophilia, X-linked, due to factor 9 defect. Identifiers: MedGen C2749016, MONDO:0010432, OMIM 300807.
Hereditary factor IX deficiency disease (HEMB). Also called: Christmas Disease; F9 DEFICIENCY; FACTOR IX DEFICIENCY; PLASMA THROMBOPLASTIN COMPONENT DEFICIENCY; Hemophilia B. Identifiers: Orphanet 98879, MedGen C0008533, MeSH D002836, MONDO:0010604, OMIM 306900.

Submission:

Labcorp Genetics (formerly Invitae), Labcorp
Classification: Uncertain significance for Thrombophilia, X-linked, due to factor 9 defect; Hereditary factor IX deficiency disease. Last evaluated: 2024-11-06. Review status: criteria provided, single submitter. Criteria: Invitae Variant Classification Sherloc (09022015). Collection method: clinical testing. Allele origin: germline.
Comment: This sequence change replaces threonine, which is neutral and polar, with alanine, which is neutral and non-polar, at codon 417 of the F9 protein (p.Thr417Ala). This variant is not present in population databases (gnomAD no frequency). This variant has not been reported in the literature in individuals affected with F9-related conditions. Invitae Evidence Modeling of protein sequence and biophysical properties (such as structural, functional, and spatial information, amino acid conservation, physicochemical variation, residue mobility, and thermodynamic stability) indicates that this missense variant is not expected to disrupt F9 protein function with a negative predictive value of 80%. In summary, the available evidence is currently insufficient to determine the role of this variant in disease. Therefore, it has been classified as a Variant of Uncertain Significance.